The following is an entry in ClinVar:

ClinVar aggregate classification (germline): Likely benign. Review status: reviewed by expert panel (3 of 4 stars). 3 submissions from 3 submitters: Likely benign (1). 2 of the submissions do not count toward it. Last evaluated 2025-05-02.

Conditions:
Hereditary thrombocytopenia and hematologic cancer predisposition syndrome. Identifiers: Orphanet 71290, MedGen CN281654, MONDO:0011071.
Inborn genetic diseases. Identifiers: MedGen C0950123, MeSH D030342.
Hereditary thrombocytopenia and hematological cancer predisposition syndrome associated with RUNX1. Also called: Familial Platelet Disorder with Propensity to Acute Myelogenous Leukemia; Familial thrombocytopenia with propensity to acute myelogenous leukemia; PLATELET DISORDER, ASPIRIN-LIKE; RUNX1 Familial Platelet Disorder with Associated Myeloid Malignancies. Identifiers: Orphanet 71290, MedGen C1832388, MeSH C563324, MONDO:0100083, OMIM 601399.

gnomAD v4.1: 3 of 1,614,032 alleles (0.00019%); highest among the groups gnomAD compares: Non-Finnish European, 0.00025%; no homozygotes.

Submissions (3):

ClinGen Myeloid Malignancy Variant Curation Expert Panel
Classification: Likely benign for Hereditary thrombocytopenia and hematologic cancer predisposition syndrome. Last evaluated: 2025-05-02. Review status: reviewed by expert panel. Criteria: ClinGen MyeloMalig ACMG Specifications v2. Collection method: curation. Allele origin: germline. Inheritance: Autosomal dominant inheritance.
Comment: NM_001754.5(RUNX1):c.438T>C is a synonymous variant which has a SpliceAI score ≤ 0.20 (BP4) and is predicted by evolutionary conservation algorithms to occur at a site that is not conserved (PhyloP score ≤ 2.0 (1.446)) (BP7). In summary, this variant meets criteria to be classified as likely benign. ACMG/AMP criteria applied, as specified by the Myeloid Malignancy Variant Curation Expert Panel for RUNX1: BP4, BP7.

Ambry Genetics
Classification: Likely benign for Inborn genetic diseases. Last evaluated: 2025-04-28. Review status: criteria provided, single submitter. Criteria: Ambry Variant Classification Scheme 2023. Collection method: clinical testing. Allele origin: germline. Not counted in ClinVar's aggregate classification.

Labcorp Genetics (formerly Invitae), Labcorp
Classification: Likely benign for Hereditary thrombocytopenia and hematological cancer predisposition syndrome associated with RUNX1. Last evaluated: 2024-05-23. Review status: criteria provided, single submitter. Criteria: Invitae Variant Classification Sherloc (09022015). Collection method: clinical testing. Allele origin: germline. Not counted in ClinVar's aggregate classification.

NM_001754.5(RUNX1):c.438T>C (p.Asn146=)

Genes: RUNX1 (RUNX family transcription factor 1; minus strand), RUNX1-AS1 (RUNX1 antisense RNA 1; plus strand). Cytogenetic location: 21q22.12.
Variant type: single nucleotide variant.
Coding change: c.438T>C on transcript NM_001754.5 (MANE Select); coding-DNA position 438, T replaced by C.
Protein change: p.Asn146=; no amino-acid change (asparagine 146 retained).
Molecular consequence: synonymous variant.
Genome position (GRCh38, 1-based): chr21:34,880,627, A>G on the plus strand (T>C on the coding strand, the complement: RUNX1 is on the minus strand). VCF-style: chr21-34880627-A-G. GRCh37 (hg19) VCF-style: chr21-36252924-A-G.
Other names: NM_001754.5(RUNX1):c.438T>C; p.Asn146=; c.357T>C, p.Asn119= (NM_001001890.3, NM_001122607.2).
Identifiers: ClinVar variation 3616626 (VCV003616626.4).
Genomic context (GRCh38, chr21:34,880,627, plus strand): 5'-TCGACCGACAAACCTGAGGTCATTAAATCTTGCAACCTGGTTCTTCATGGCTGCGGTAGC[A>G]TTTCTCAGCTCAGCCGAGTAGTTTTCATCATTGCCAGCCATCACAGTGACCAGAGTGCCA-3'
Protein context (NP_001745.2, residues 136-156): NDENYSAELR[Asn146=]ATAAMKNQVA